The following is an entry in ClinVar:

ClinVar aggregate classification (germline): Uncertain significance. Review status: criteria provided, multiple submitters, no conflicts (2 of 4 stars). 2 submissions from 2 submitters: Uncertain significance (2). Last evaluated 2025-03-17.

Allele frequency attached by ClinVar (database versions not stated): TOPMed 0.00003; ESP Exome Variant Server 0.00008.
gnomAD v4.1: 9 of 1,613,378 alleles (0.00056%); highest among the groups gnomAD compares: African/African-American, 0.004%; no homozygotes.

Submissions (2):

Labcorp Genetics (formerly Invitae), Labcorp
Classification: Uncertain significance. Last evaluated: 2025-03-17. Review status: criteria provided, single submitter. Criteria: Invitae Variant Classification Sherloc (09022015). Collection method: clinical testing. Allele origin: germline.
Comment: This sequence change replaces aspartic acid, which is acidic and polar, with asparagine, which is neutral and polar, at codon 290 of the CDHR1 protein (p.Asp290Asn). This variant is present in population databases (rs373576430, gnomAD no frequency). This variant has not been reported in the literature in individuals affected with CDHR1-related conditions. ClinVar contains an entry for this variant (Variation ID: 957349). Invitae Evidence Modeling of protein sequence and biophysical properties (such as structural, functional, and spatial information, amino acid conservation, physicochemical variation, residue mobility, and thermodynamic stability) indicates that this missense variant is not expected to disrupt CDHR1 protein function with a negative predictive value of 80%. In summary, the available evidence is currently insufficient to determine the role of this variant in disease. Therefore, it has been classified as a Variant of Uncertain Significance.

Blueprint Genetics
Classification: Uncertain significance. Last evaluated: 2019-12-16. Review status: criteria provided, single submitter. Criteria: ACMG Guidelines, 2015. Collection method: clinical testing. Allele origin: germline.

NM_033100.4(CDHR1):c.868G>A (p.Asp290Asn)

Gene: CDHR1 (cadherin related family member 1; plus strand). Cytogenetic location: 10q23.1.
Variant type: single nucleotide variant.
Coding change: c.868G>A on transcript NM_033100.4 (MANE Select); coding-DNA position 868, G replaced by A.
Protein change: p.Asp290Asn; replaces aspartic acid 290 with asparagine.
Molecular consequence: missense variant.
Genome position (GRCh38, 1-based): chr10:84,205,832, G>A. VCF-style: chr10-84205832-G-A. GRCh37 (hg19) VCF-style: chr10-85965588-G-A.
Other names: c.868G>A, p.Asp290Asn (NM_001171971.3); short protein forms D290N.
Identifiers: ClinVar variation 957349 (VCV000957349.10), dbSNP rs373576430, ClinGen allele CA210382137.